The following is an entry in ClinVar:

NM_152383.5(DIS3L2):c.526G>A (p.Glu176Lys)

Gene: DIS3L2 (DIS3 like 3'-5' exoribonuclease 2; plus strand). Cytogenetic location: 2q37.1.
Variant type: single nucleotide variant.
Coding change: c.526G>A on transcript NM_152383.5 (MANE Select); coding-DNA position 526, G replaced by A.
Protein change: p.Glu176Lys; replaces glutamic acid 176 with lysine.
Molecular consequence: missense variant. On other transcripts: non-coding transcript variant (2).
Genome position (GRCh38, 1-based): chr2:232,087,646, G>A. VCF-style: chr2-232087646-G-A. GRCh37 (hg19) VCF-style: chr2-232952356-G-A.
Other names: c.526G>A, p.Glu176Lys (NM_001257281.2, NM_001257282.2); short protein forms E176K.
Identifiers: ClinVar variation 939415 (VCV000939415.9), dbSNP rs1158423027, ClinGen allele CA351155171.

ClinVar aggregate classification (germline): Uncertain significance (1 of 4 stars; one submission).

Conditions:
Perlman syndrome (PRLMNS). Identifiers: Orphanet 2849, MedGen C0796113, MONDO:0009965, OMIM 267000.

Allele frequency attached by ClinVar (database versions not stated): TOPMed below 0.00001; gnomAD 0.00001.
gnomAD v4.1: 1 of 1,614,084 alleles (0.000062%); highest among the groups gnomAD compares: Non-Finnish European, 0.000085%; no homozygotes.

Submission:

Labcorp Genetics (formerly Invitae), Labcorp
Classification: Uncertain significance for Perlman syndrome. Last evaluated: 2020-08-21. Review status: criteria provided, single submitter. Criteria: Invitae Variant Classification Sherloc (09022015). Collection method: clinical testing. Allele origin: germline.
Comment: This sequence change replaces glutamic acid with lysine at codon 176 of the DIS3L2 protein (p.Glu176Lys). The glutamic acid residue is weakly conserved and there is a small physicochemical difference between glutamic acid and lysine. In summary, the available evidence is currently insufficient to determine the role of this variant in disease. Therefore, it has been classified as a Variant of Uncertain Significance. Algorithms developed to predict the effect of missense changes on protein structure and function (SIFT, PolyPhen-2, Align-GVGD) all suggest that this variant is likely to be tolerated, but these predictions have not been confirmed by published functional studies and their clinical significance is uncertain. This variant has not been reported in the literature in individuals with DIS3L2-related conditions. This variant is not present in population databases (ExAC no frequency).